The following is an entry in ClinVar:

NM_006939.4(SOS2):c.2089C>T (p.His697Tyr)

Gene: SOS2 (SOS Ras/Rho guanine nucleotide exchange factor 2; minus strand). Cytogenetic location: 14q21.3.
Variant type: single nucleotide variant.
Coding change: c.2089C>T on transcript NM_006939.4 (MANE Select); coding-DNA position 2089, C replaced by T.
Protein change: p.His697Tyr; replaces histidine 697 with tyrosine.
Molecular consequence: missense variant.
Genome position (GRCh38, 1-based): chr14:50,153,142, G>A on the plus strand (C>T on the coding strand, the complement: SOS2 is on the minus strand). VCF-style: chr14-50153142-G-A. GRCh37 (hg19) VCF-style: chr14-50619860-G-A.
Other names: c.2089C>T (NM_006939.2, NM_006939.3); c.1990C>T, p.His664Tyr (NM_001411020.1); short protein forms H664Y, H697Y.
Identifiers: ClinVar variation 3704377 (VCV003704377.5).

ClinVar aggregate classification (germline): Uncertain significance. Review status: criteria provided, multiple submitters, no conflicts (2 of 4 stars). 4 submissions from 4 submitters: Uncertain significance (4). Last evaluated 2025-05-12.

Conditions:
SOS2-related disorder. Also called: SOS2-related condition.
Cardiovascular phenotype. Identifiers: MedGen CN230736.
Noonan syndrome 9 (NS9). Identifiers: Orphanet 648, MedGen C4225282, MONDO:0014691, OMIM 616559.

gnomAD v4.1: 1 of 1,605,202 alleles (0.000062%); highest among the groups gnomAD compares: Non-Finnish European, 0.000085%; no homozygotes.

Submissions (4):

PreventionGenetics, part of Exact Sciences
Classification: Uncertain significance for SOS2-related condition. Last evaluated: 2025-05-12. Review status: criteria provided, single submitter. Criteria: ACMG Guidelines, 2015. Collection method: clinical testing. Allele origin: germline.
Comment: The SOS2 c.2089C>T variant is predicted to result in the amino acid substitution p.His697Tyr. To our knowledge, this variant has not been reported in the literature or in a large population database (gnomAD), indicating this variant is rare. At this time, the clinical significance of this variant is uncertain due to the absence of conclusive functional and genetic evidence.

Ambry Genetics
Classification: Uncertain significance for Cardiovascular phenotype. Last evaluated: 2025-05-02. Review status: criteria provided, single submitter. Criteria: Ambry Variant Classification Scheme 2023. Collection method: clinical testing. Allele origin: germline.
Comment: The p.H697Y variant (also known as c.2089C>T), located in coding exon 13 of the SOS2 gene, results from a C to T substitution at nucleotide position 2089. The histidine at codon 697 is replaced by tyrosine, an amino acid with similar properties. This amino acid position is conserved. In addition, the in silico prediction for this alteration is inconclusive. Based on the available evidence, the clinical significance of this variant remains unclear.

Labcorp Genetics (formerly Invitae), Labcorp
Classification: Uncertain significance for Noonan syndrome 9. Last evaluated: 2024-08-08. Review status: criteria provided, single submitter. Criteria: Invitae Variant Classification Sherloc (09022015). Collection method: clinical testing. Allele origin: germline.
Comment: This sequence change replaces histidine, which is basic and polar, with tyrosine, which is neutral and polar, at codon 697 of the SOS2 protein (p.His697Tyr). This variant is not present in population databases (gnomAD no frequency). This variant has not been reported in the literature in individuals affected with SOS2-related conditions. Advanced modeling of protein sequence and biophysical properties (such as structural, functional, and spatial information, amino acid conservation, physicochemical variation, residue mobility, and thermodynamic stability) performed at Invitae indicates that this missense variant is expected to disrupt SOS2 protein function with a positive predictive value of 95%. In summary, the available evidence is currently insufficient to determine the role of this variant in disease. Therefore, it has been classified as a Variant of Uncertain Significance.

Blueprint Genetics
Classification: Uncertain significance. Last evaluated: 2021-08-11. Review status: criteria provided, single submitter. Criteria: ACMG Guidelines, 2015. Collection method: clinical testing. Allele origin: germline.